The following is an entry in ClinVar:

ClinVar aggregate classification (germline): Uncertain significance (1 of 4 stars; one submission).

gnomAD v4.1: 1 of 1,597,732 alleles (0.000063%); highest among the groups gnomAD compares: South Asian, 0.0011%; no homozygotes.

Submission:

Ambry Genetics
Classification: Uncertain significance. Last evaluated: 2025-09-25. Review status: criteria provided, single submitter. Criteria: Ambry Variant Classification Scheme 2023. Collection method: clinical testing. Allele origin: germline.
Comment: The p.V1415M variant (also known as c.4243G>A), located in coding exon 14 of the CDK12 gene, results from a G to A substitution at nucleotide position 4243. The valine at codon 1415 is replaced by methionine, an amino acid with highly similar properties. This amino acid position is conserved. In addition, this alteration is predicted to be tolerated by in silico analysis. Based on the available evidence, the clinical significance of this variant remains unclear.

NM_016507.4(CDK12):c.4243G>A (p.Val1415Met)

Gene: CDK12 (cyclin dependent kinase 12; plus strand). Cytogenetic location: 17q12.
Variant type: single nucleotide variant.
Coding change: c.4243G>A on transcript NM_016507.4 (MANE Select); coding-DNA position 4243, G replaced by A.
Protein change: p.Val1415Met; replaces valine 1415 with methionine.
Molecular consequence: missense variant.
Genome position (GRCh38, 1-based): chr17:39,531,086, G>A. VCF-style: chr17-39531086-G-A. GRCh37 (hg19) VCF-style: chr17-37687339-G-A.
Other names: c.4216G>A, p.Val1406Met (NM_015083.4); short protein forms V1406M, V1415M.
Identifiers: ClinVar variation 4651328 (VCV004651328.1).